The following is an entry in ClinVar:

ClinVar aggregate classification (germline): Uncertain significance (1 of 4 stars; one submission).

Conditions:
Glycogen storage disease type III (GSD3). Also called: Cori disease; FORBES DISEASE. Identifiers: Orphanet 366, MedGen C0017922, MONDO:0009291, OMIM 232400.

Allele frequency attached by ClinVar (database versions not stated): ExAC 0.00001; gnomAD 0.00001; gnomAD exomes 0.00001; TOPMed 0.00001.
gnomAD v4.1: 14 of 1,613,530 alleles (0.00087%); highest among the groups gnomAD compares: Middle Eastern, 0.016%; no homozygotes.

Submission:

Labcorp Genetics (formerly Invitae), Labcorp
Classification: Uncertain significance for Glycogen storage disease type III. Last evaluated: 2021-10-14. Review status: criteria provided, single submitter. Criteria: Invitae Variant Classification Sherloc (09022015). Collection method: clinical testing. Allele origin: germline.
Comment: This sequence change replaces threonine with alanine at codon 1035 of the AGL protein (p.Thr1035Ala). The threonine residue is weakly conserved and there is a small physicochemical difference between threonine and alanine. This variant is present in population databases (rs765807003, ExAC 0.002%). This variant has not been reported in the literature in individuals affected with AGL-related conditions. Algorithms developed to predict the effect of missense changes on protein structure and function (SIFT, PolyPhen-2, Align-GVGD) all suggest that this variant is likely to be tolerated. In summary, the available evidence is currently insufficient to determine the role of this variant in disease. Therefore, it has been classified as a Variant of Uncertain Significance.

NM_000642.3(AGL):c.3103A>G (p.Thr1035Ala)

Gene: AGL (amylo-alpha-1,6-glucosidase and 4-alpha-glucanotransferase; plus strand). Cytogenetic location: 1p21.2.
Variant type: single nucleotide variant.
Coding change: c.3103A>G on transcript NM_000642.3 (MANE Select); coding-DNA position 3103, A replaced by G.
Protein change: p.Thr1035Ala; replaces threonine 1035 with alanine.
Molecular consequence: missense variant.
Genome position (GRCh38, 1-based): chr1:99,892,451, A>G. VCF-style: chr1-99892451-A-G. GRCh37 (hg19) VCF-style: chr1-100358007-A-G.
Other names: c.3103A>G, p.Thr1035Ala (NM_000028.3, NM_000643.3, NM_000644.3 and 1 more transcripts); c.3055A>G, p.Thr1019Ala (NM_000646.3); c.3082A>G, p.Thr1028Ala (NM_001425326.1); c.2902A>G, p.Thr968Ala (NM_001425327.1); c.2899A>G, p.Thr967Ala (NM_001425328.1); c.2764A>G, p.Thr922Ala (NM_001425329.1); c.2725A>G, p.Thr909Ala (NM_001425332.1); short protein forms T1035A, T1019A, T1028A, T909A, T922A, T967A, T968A.
Identifiers: ClinVar variation 1382806 (VCV001382806.5), dbSNP rs765807003, ClinGen allele CA966980.